The following is an entry in ClinVar:

NM_020795.4(NLGN2):c.457+10C>T

Gene: NLGN2 (neuroligin 2; plus strand). Cytogenetic location: 17p13.1.
Variant type: single nucleotide variant.
Coding change: c.457+10C>T on transcript NM_020795.4 (MANE Select); 10 bases into the intron after coding-DNA position 457, C replaced by T.
Molecular consequence: intron variant.
Genome position (GRCh38, 1-based): chr17:7,408,722, C>T. VCF-style: chr17-7408722-C-T. GRCh37 (hg19) VCF-style: chr17-7312041-C-T.
Identifiers: ClinVar variation 3042506 (VCV003042506.2), dbSNP rs766313959, ClinGen allele CA645585329.
Genomic context (GRCh38, chr17:7,408,722, plus strand): 5'-ACCAGAGCGAGGACTGCCTGTACCTCAACCTCTACGTGCCCACCGAGGACGGTAAGGGCG[C>T]GGGCACAAAGCCGGGCACCCCGTGGACACAGCCCACAAACGCACATGCAGACCCTCAGGC-3'

ClinVar aggregate classification (germline): Likely benign (0 of 4 stars; one submission).

Conditions:
NLGN2-related disorder. Also called: NLGN2-related condition.

Allele frequency attached by ClinVar (database versions not stated): TOPMed below 0.00001; gnomAD 0.00001.
gnomAD v4.1: 4 of 1,612,594 alleles (0.00025%); highest among the groups gnomAD compares: East Asian, 0.0045%; no homozygotes.

Submission:

PreventionGenetics, part of Exact Sciences
Classification: Likely benign for NLGN2-related condition. Last evaluated: 2019-07-01. Review status: no assertion criteria provided. Collection method: clinical testing. Allele origin: germline.
Comment: This variant is classified as likely benign based on ACMG/AMP sequence variant interpretation guidelines (Richards et al. 2015 PMID: 25741868, with internal and published modifications).